The following is an entry in ClinVar:

ClinVar aggregate classification (germline): Benign/Likely benign. Review status: criteria provided, multiple submitters, no conflicts (2 of 4 stars). 2 submissions from 2 submitters: Benign (1); Likely benign (1). Last evaluated 2025-08-03.

Conditions:
Familial cancer of breast. Also called: Hereditary breast cancer; hereditary breast carcinoma; BREAST CANCER, FAMILIAL. Identifiers: Orphanet 227535, MedGen C0346153, MONDO:0016419, OMIM 114480. Disease mechanism: loss of function.
Ataxia-telangiectasia syndrome (AT). Also called: Ataxia telangiectasia (A-T); Ataxia-telangiectasia, complementation group D; ATAXIA-TELANGIECTASIA, COMPLEMENTATION GROUP A; ATAXIA-TELANGIECTASIA, FRESNO VARIANT; Ataxia-telangiectasia, complementation group E; LOUIS-BAR SYNDROME. Identifiers: Orphanet 100, MedGen C0004135, MONDO:0008840, OMIM 208900.

Submissions (2):

Labcorp Genetics (formerly Invitae), Labcorp
Classification: Likely benign for Ataxia-telangiectasia syndrome. Last evaluated: 2025-08-03. Review status: criteria provided, single submitter. Criteria: Invitae Variant Classification Sherloc (09022015). Collection method: clinical testing. Allele origin: germline.

Myriad Genetics, Inc.
Classification: Benign for Familial cancer of breast. Last evaluated: 2024-05-15. Review status: criteria provided, single submitter. Criteria: Myriad Autosomal Dominant, Autosomal Recessive and X-Linked Classification Criteria (2023). Collection method: clinical testing. Allele origin: unknown.
Comment: This variant is considered benign. This variant is a silent/synonymous amino acid change and it is not expected to impact splicing.

NM_000051.4(ATM):c.3666A>G (p.Leu1222=)

Gene: ATM (ATM serine/threonine kinase; plus strand). Cytogenetic location: 11q22.3.
Variant type: single nucleotide variant.
Coding change: c.3666A>G on transcript NM_000051.4 (MANE Select); coding-DNA position 3666, A replaced by G.
Protein change: p.Leu1222=; no amino-acid change (leucine 1222 retained).
Molecular consequence: synonymous variant.
Genome position (GRCh38, 1-based): chr11:108,282,799, A>G. VCF-style: chr11-108282799-A-G. GRCh37 (hg19) VCF-style: chr11-108153526-A-G.
Other names: c.3666A>G, p.Leu1222= (NM_001351834.2).
Identifiers: ClinVar variation 2985292 (VCV002985292.4), dbSNP rs2135689228, ClinGen allele CA476673294.